The following is an entry in ClinVar:

ClinVar aggregate classification (germline): Benign/Likely benign. Review status: criteria provided, multiple submitters, no conflicts (2 of 4 stars). 4 submissions from 4 submitters: Benign (1); Likely benign (3). Last evaluated 2025-11-19.

Conditions:
POLD1-related polyposis and colorectal cancer syndrome (CRCS10). Also called: Colorectal cancer 10; COLORECTAL CANCER, SUSCEPTIBILITY TO, ON CHROMOSOME 19q; Colorectal cancer, susceptibility to, 10. Identifiers: Orphanet 220460, MedGen C2675481, MONDO:0012953, OMIM 612591.
Hereditary cancer-predisposing syndrome. Also called: Tumor predisposition; Hereditary Cancer Syndrome; Hereditary neoplastic syndrome; Neoplastic Syndromes, Hereditary. Identifiers: Orphanet 140162, MedGen C0027672, MeSH D009386, MONDO:0015356.

Allele frequency attached by ClinVar (database versions not stated): ExAC below 0.00001; TOPMed below 0.00001; gnomAD 0.00001.

Submissions (4):

Labcorp Genetics (formerly Invitae), Labcorp
Classification: Likely benign for POLD1-related polyposis and colorectal cancer syndrome. Last evaluated: 2025-11-19. Review status: criteria provided, single submitter. Criteria: Invitae Variant Classification Sherloc (09022015). Collection method: clinical testing. Allele origin: germline.

Center for Genomic Medicine, Rigshospitalet, Copenhagen University Hospital
Classification: Likely benign. Last evaluated: 2025-03-04. Review status: criteria provided, single submitter. Criteria: ACMG Guidelines, 2015. Collection method: clinical testing. Allele origin: germline.

Myriad Genetics, Inc.
Classification: Benign for POLD1-related polyposis and colorectal cancer syndrome. Last evaluated: 2025-02-05. Review status: criteria provided, single submitter. Criteria: Myriad Autosomal Dominant, Autosomal Recessive and X-Linked Classification Criteria (2023). Collection method: clinical testing. Allele origin: unknown.
Comment: This variant is considered benign. This variant is a silent/synonymous amino acid change and it is not expected to impact splicing.

Ambry Genetics
Classification: Likely benign for Hereditary cancer-predisposing syndrome. Last evaluated: 2015-09-10. Review status: criteria provided, single submitter. Criteria: Ambry Variant Classification Scheme 2023. Collection method: clinical testing. Allele origin: germline.

NM_002691.4(POLD1):c.1029C>T (p.Arg343=)

Gene: POLD1 (DNA polymerase delta 1, catalytic subunit; plus strand). Cytogenetic location: 19q13.33.
Variant type: single nucleotide variant.
Coding change: c.1029C>T on transcript NM_002691.4 (MANE Select); coding-DNA position 1029, C replaced by T.
Protein change: p.Arg343=; no amino-acid change (arginine 343 retained).
Molecular consequence: synonymous variant. On other transcripts: non-coding transcript variant (1).
Genome position (GRCh38, 1-based): chr19:50,403,111, C>T. VCF-style: chr19-50403111-C-T. GRCh37 (hg19) VCF-style: chr19-50906368-C-T.
Other names: c.1029C>T, p.Arg343= (NM_001256849.1, NM_001308632.1).
Identifiers: ClinVar variation 484333 (VCV000484333.23), dbSNP rs759213871, ClinGen allele CA9596007.
Genomic context (GRCh38, chr19:50,403,111, plus strand): 5'-AGGCATCTTCCCTGAGCCTGAGCGGGACCCTGTCATCCAGATCTGCTCGCTGGGCCTGCG[C>T]TGGGGGGAGCCGGAGCCCTTCCTACGCCTGGCGCTCACCCTGCGGCCCTGTGCCCCCATC-3'
Protein context (NP_002682.2, residues 333-353): PVIQICSLGL[Arg343=]WGEPEPFLRL